The following is an entry in ClinVar:

NM_182961.4(SYNE1):c.3180G>C (p.Glu1060Asp)

Gene: SYNE1 (spectrin repeat containing nuclear envelope protein 1; minus strand). Cytogenetic location: 6q25.2.
Variant type: single nucleotide variant.
Coding change: c.3180G>C on transcript NM_182961.4 (MANE Select); coding-DNA position 3180, G replaced by C.
Protein change: p.Glu1060Asp; replaces glutamic acid 1060 with aspartic acid.
Molecular consequence: missense variant.
Genome position (GRCh38, 1-based): chr6:152,451,053, C>G on the plus strand (G>C on the coding strand, the complement: SYNE1 is on the minus strand). VCF-style: chr6-152451053-C-G. GRCh37 (hg19) VCF-style: chr6-152772188-C-G.
Other names: c.3201G>C, p.Glu1067Asp (NM_033071.5); short protein forms E1060D, E1067D.
Identifiers: ClinVar variation 2011204 (VCV002011204.4), dbSNP rs2501655458, ClinGen allele CA366150025.

ClinVar aggregate classification (germline): Uncertain significance (1 of 4 stars; one submission).

Conditions:
Autosomal recessive ataxia, Beauce type. Also called: SYNE1 Deficiency; Spinocerebellar ataxia, autosomal recessive 8; ATAXIA, RECESSIVE, OF BEAUCE; SYNE1-Related Autosomal Recessive Cerebellar Ataxia. Identifiers: Orphanet 88644, MedGen C1853116, MONDO:0012549, OMIM 610743.
Emery-Dreifuss muscular dystrophy 4, autosomal dominant (EDMD4). Also called: EMERY-DREIFUSS MUSCULAR DYSTROPHY 4 WITH VARIABLE FEATURES. Identifiers: Orphanet 261, MedGen C2751807, MONDO:0013071, OMIM 612998.

Submission:

Labcorp Genetics (formerly Invitae), Labcorp
Classification: Uncertain significance for Emery-Dreifuss muscular dystrophy 4, autosomal dominant; Autosomal recessive ataxia, Beauce type. Last evaluated: 2024-02-17. Review status: criteria provided, single submitter. Criteria: Invitae Variant Classification Sherloc (09022015). Collection method: clinical testing. Allele origin: germline.
Comment: This sequence change replaces glutamic acid, which is acidic and polar, with aspartic acid, which is acidic and polar, at codon 1067 of the SYNE1 protein (p.Glu1067Asp). This variant is not present in population databases (gnomAD no frequency). This variant has not been reported in the literature in individuals affected with SYNE1-related conditions. ClinVar contains an entry for this variant (Variation ID: 2011204). An algorithm developed to predict the effect of missense changes on protein structure and function (PolyPhen-2) suggests that this variant is likely to be disruptive. In summary, the available evidence is currently insufficient to determine the role of this variant in disease. Therefore, it has been classified as a Variant of Uncertain Significance.